The following is an entry in ClinVar:

NM_001378414.1(HDAC4):c.701A>C (p.Asp234Ala)

Gene: HDAC4 (histone deacetylase 4; minus strand). Cytogenetic location: 2q37.3.
Variant type: single nucleotide variant.
Coding change: c.701A>C on transcript NM_001378414.1 (MANE Select); coding-DNA position 701, A replaced by C.
Protein change: p.Asp234Ala; replaces aspartic acid 234 with alanine.
Molecular consequence: missense variant.
Genome position (GRCh38, 1-based): chr2:239,156,684, T>G on the plus strand (A>C on the coding strand, the complement: HDAC4 is on the minus strand). VCF-style: chr2-239156684-T-G. GRCh37 (hg19) VCF-style: chr2-240078380-T-G.
Other names: c.701A>C, p.Asp234Ala (NM_001378415.1, NM_001378416.1, NM_001378417.1 and 1 more transcripts); short protein forms D234A.
Identifiers: ClinVar variation 2501644 (VCV002501644.1), dbSNP rs2472650740, ClinGen allele CA351271566.

ClinVar aggregate classification (germline): Uncertain significance (1 of 4 stars; one submission).

Submission:

GeneDx
Classification: Uncertain significance. Last evaluated: 2022-11-08. Review status: criteria provided, single submitter. Criteria: GeneDx Variant Classification Process June 2021. Collection method: clinical testing. Allele origin: germline. Affected: yes.
Comment: Not observed at significant frequency in large population cohorts (gnomAD); In silico analysis supports that this missense variant has a deleterious effect on protein structure/function; Has not been previously published as pathogenic or benign to our knowledge